The following is an entry in ClinVar:

ClinVar aggregate classification (germline): Likely benign. Review status: criteria provided, multiple submitters, no conflicts (2 of 4 stars). 2 submissions from 2 submitters: Likely benign (2). Last evaluated 2021-10-31.

Conditions:
Compton-North congenital myopathy (CMYO12). Identifiers: Orphanet 210163, MedGen C2675527, MONDO:0012929, OMIM 612540.

Allele frequency attached by ClinVar (database versions not stated): TOPMed below 0.00001.

Submissions (2):

Labcorp Genetics (formerly Invitae), Labcorp
Classification: Likely benign for Compton-North congenital myopathy. Last evaluated: 2021-10-31. Review status: criteria provided, single submitter. Criteria: Invitae Variant Classification Sherloc (09022015). Collection method: clinical testing. Allele origin: germline.

GeneDx
Classification: Likely benign. Last evaluated: 2017-05-31. Review status: criteria provided, single submitter. Criteria: GeneDx Variant Classification (06012015). Collection method: clinical testing. Allele origin: germline. Affected: yes.
Comment: This variant is considered likely benign or benign based on one or more of the following criteria: it is a conservative change, it occurs at a poorly conserved position in the protein, it is predicted to be benign by multiple in silico algorithms, and/or has population frequency not consistent with disease.

NM_001843.4(CNTN1):c.2114-17T>G

Gene: CNTN1 (contactin 1; plus strand). Cytogenetic location: 12q12.
Variant type: single nucleotide variant.
Coding change: c.2114-17T>G on transcript NM_001843.4 (MANE Select); 17 bases into the intron before coding-DNA position 2114, T replaced by G.
Molecular consequence: intron variant.
Genome position (GRCh38, 1-based): chr12:41,014,211, T>G. VCF-style: chr12-41014211-T-G. GRCh37 (hg19) VCF-style: chr12-41408013-T-G.
Other names: c.2081-17T>G (NM_175038.2).
Identifiers: ClinVar variation 509914 (VCV000509914.12), dbSNP rs1555199184, ClinGen allele CA658797875.